The following is an entry in ClinVar:

NM_182914.3(SYNE2):c.18205C>A (p.Leu6069Ile)

Gene: SYNE2 (spectrin repeat containing nuclear envelope protein 2; plus strand). Cytogenetic location: 14q23.2.
Variant type: single nucleotide variant.
Coding change: c.18205C>A on transcript NM_182914.3 (MANE Select); coding-DNA position 18205, C replaced by A.
Protein change: p.Leu6069Ile; replaces leucine 6069 with isoleucine.
Molecular consequence: missense variant.
Genome position (GRCh38, 1-based): chr14:64,208,761, C>A. VCF-style: chr14-64208761-C-A. GRCh37 (hg19) VCF-style: chr14-64675479-C-A.
Other names: c.18205C>A, p.Leu6069Ile (NM_015180.6); short protein forms L6069I.
Identifiers: ClinVar variation 3722142 (VCV003722142.2).

ClinVar aggregate classification (germline): Uncertain significance (1 of 4 stars; one submission).

Conditions:
Emery-Dreifuss muscular dystrophy 5, autosomal dominant (EDMD5). Also called: EMERY-DREIFUSS MUSCULAR DYSTROPHY 5. Identifiers: Orphanet 261, MedGen C2751805, MONDO:0013072, OMIM 612999.

Submission:

Labcorp Genetics (formerly Invitae), Labcorp
Classification: Uncertain significance for Emery-Dreifuss muscular dystrophy 5, autosomal dominant. Last evaluated: 2024-10-03. Review status: criteria provided, single submitter. Criteria: Invitae Variant Classification Sherloc (09022015). Collection method: clinical testing. Allele origin: germline.
Comment: This sequence change replaces leucine, which is neutral and non-polar, with isoleucine, which is neutral and non-polar, at codon 6069 of the SYNE2 protein (p.Leu6069Ile). This variant is not present in population databases (gnomAD no frequency). This variant has not been reported in the literature in individuals affected with SYNE2-related conditions. An algorithm developed to predict the effect of missense changes on protein structure and function (PolyPhen-2) suggests that this variant is likely to be disruptive. In summary, the available evidence is currently insufficient to determine the role of this variant in disease. Therefore, it has been classified as a Variant of Uncertain Significance.